The following is an entry in ClinVar:

NM_020778.5(ALPK3):c.4129+2T>C

Gene: ALPK3 (alpha kinase 3; plus strand). Cytogenetic location: 15q25.3.
Variant type: single nucleotide variant.
Coding change: c.4129+2T>C on transcript NM_020778.5 (MANE Select); the canonical splice donor site of the intron after coding-DNA position 4129, T replaced by C.
Molecular consequence: splice donor variant.
Genome position (GRCh38, 1-based): chr15:84,860,074, T>C. VCF-style: chr15-84860074-T-C. GRCh37 (hg19) VCF-style: chr15-85403305-T-C.
Identifiers: ClinVar variation 1478630 (VCV001478630.6), dbSNP rs2141570949, ClinGen allele CA393362322.

ClinVar aggregate classification (germline): Likely pathogenic (1 of 4 stars; one submission).

Submission:

Labcorp Genetics (formerly Invitae), Labcorp
Classification: Likely pathogenic. Last evaluated: 2022-05-12. Review status: criteria provided, single submitter. Criteria: Invitae Variant Classification Sherloc (09022015). Collection method: clinical testing. Allele origin: germline.
Comment: In summary, the currently available evidence indicates that the variant is pathogenic, but additional data are needed to prove that conclusively. Therefore, this variant has been classified as Likely Pathogenic. Algorithms developed to predict the effect of sequence changes on RNA splicing suggest that this variant may disrupt the consensus splice site. This variant has not been reported in the literature in individuals affected with ALPK3-related conditions. This variant is not present in population databases (gnomAD no frequency). This sequence change affects a donor splice site in intron 9 of the ALPK3 gene. It is expected to disrupt RNA splicing. Variants that disrupt the donor or acceptor splice site typically lead to a loss of protein function (PMID: 16199547), and loss-of-function variants in ALPK3 are known to be pathogenic (PMID: 21441111, 26846950, 27106955, 34263907).

Literature cited by the submitters: PubMed 16199547; PubMed 21441111; PubMed 26846950; PubMed 27106955; PubMed 34263907.